The following is an entry in ClinVar:

NM_003126.4(SPTA1):c.676G>A (p.Glu226Lys)

Gene: SPTA1 (spectrin alpha, erythrocytic 1; minus strand). Cytogenetic location: 1q23.1.
Variant type: single nucleotide variant.
Coding change: c.676G>A on transcript NM_003126.4 (MANE Select); coding-DNA position 676, G replaced by A.
Protein change: p.Glu226Lys; replaces glutamic acid 226 with lysine.
Molecular consequence: missense variant.
Genome position (GRCh38, 1-based): chr1:158,680,585, C>T on the plus strand (G>A on the coding strand, the complement: SPTA1 is on the minus strand). VCF-style: chr1-158680585-C-T. GRCh37 (hg19) VCF-style: chr1-158650375-C-T.
Other names: c.676G>A (NM_003126.2); short protein forms E226K.
Identifiers: ClinVar variation 2436366 (VCV002436366.11), dbSNP rs549232925, ClinGen allele CA1184083.
Genomic context (GRCh38, chr1:158,680,585, plus strand): 5'-AGTTATTCTTAAGGATAAGAACCCTTTGCACGGAGTGAATATTTTGCTCCCACCTCACCT[C>T]GGCACACTCATTGGCATATTGGTTCACTTCAACAACTCTCCCTTCTTTAGCTACCAGCTC-3'
Protein context (NP_003117.2, residues 216-236): EVNQYANECA[Glu226Lys]ENHPDLPLIQ

ClinVar aggregate classification (germline): Uncertain significance. Review status: criteria provided, multiple submitters, no conflicts (2 of 4 stars). 4 submissions from 4 submitters: Uncertain significance (4). Last evaluated 2026-01-01.

Conditions:
SPTA1-related disorder. Also called: SPTA1-related disorders; SPTA1-related condition.

Allele frequency attached by ClinVar (database versions not stated): gnomAD exomes 0.00004; ExAC 0.00005; TOPMed 0.00005; gnomAD 0.00006; 1000 Genomes Project 30x 0.00016; 1000 Genomes Project 0.00020.
gnomAD v4.1: 67 of 1,613,814 alleles (0.0042%); highest among the groups gnomAD compares: East Asian, 0.022%; no homozygotes.

Submissions (4):

CeGaT Center for Human Genetics Tuebingen
Classification: Uncertain significance. Last evaluated: 2026-01-01. Review status: criteria provided, single submitter. Criteria: CeGaT Center For Human Genetics Tuebingen Variant Classification Criteria Version 2. Collection method: clinical testing. Allele origin: germline. Affected: yes. Observed: 1 variant allele.
Comment: SPTA1: PM2, BP4

Ambry Genetics
Classification: Uncertain significance. Last evaluated: 2025-11-13. Review status: criteria provided, single submitter. Criteria: Ambry Variant Classification Scheme 2023. Collection method: clinical testing. Allele origin: germline.

Revvity Omics, Revvity
Classification: Uncertain significance. Last evaluated: 2024-08-07. Review status: criteria provided, single submitter. Criteria: ACMG Guidelines, 2015. Collection method: clinical testing. Allele origin: germline.

PreventionGenetics, part of Exact Sciences
Classification: Uncertain significance for SPTA1-related condition. Last evaluated: 2023-08-30. Review status: criteria provided, single submitter. Criteria: ACMG Guidelines, 2015. Collection method: clinical testing. Allele origin: germline.
Comment: The SPTA1 c.676G>A variant is predicted to result in the amino acid substitution p.Glu226Lys. To our knowledge, this variant has not been reported in the literature. This variant is reported in 0.046% of alleles in individuals of East Asian descent in gnomAD. At this time, the clinical significance of this variant is uncertain due to the absence of conclusive functional and genetic evidence.